The following is an entry in ClinVar:

GRCh38/hg38 Xp21.1(chrX:31682282-34203250)x0

Genes: DMD (dystrophin; minus strand), FAM47A (family with sequence similarity 47 member A; minus strand), MIR3915 (microRNA 3915; minus strand), MIR548F5 (microRNA 548f-5; minus strand), LOC129391296 (MPRA-validated peak7373 silencer; plus strand) and 1 more. Cytogenetic location: Xp21.1.
Variant type: copy number loss.
Change: copy number 0 of chrX:31,682,282-34,203,250 (2.52 Mb, GRCh38 coordinates, 1-based), cytogenetic band Xp21.1.
Identifiers: ClinVar variation 4796111 (VCV004796111.1).

ClinVar aggregate classification (germline): Pathogenic (1 of 4 stars; one submission).

Submission:

Medical Genetic Center, Changzhi Maternal and Child Health Care Hospital
Classification: Pathogenic. Last evaluated: 2025-12-10. Review status: criteria provided, single submitter. Criteria: ACMG/ClinGen CNV Guidelines, 2019. Collection method: clinical testing. Allele origin: unknown.
Comment: 2A:DMD partial deletion (NM_004006.3, exons 1-53)